The following is an entry in ClinVar:

ClinVar aggregate classification (germline): Likely pathogenic (1 of 4 stars; one submission).

Conditions:
Pyruvate dehydrogenase E3 deficiency (DLDD). Also called: Dihydrolipoamide Dehydrogenase (E3) Deficiency; Lipoamide dehydrogenase deficiency, lactic acidosis due to; Lipoamide dehydrogenase deficiency; DLD DEFICIENCY; E3 DEFICIENCY; Dihydrolipoamide Dehydrogenase Deficiency. Identifiers: Orphanet 2394, Orphanet 765, MedGen C5574660, MONDO:0009529, OMIM 246900.

Submission:

Myriad Genetics, Inc.
Classification: Likely pathogenic for Pyruvate dehydrogenase E3 deficiency. Last evaluated: 2021-12-17. Review status: criteria provided, single submitter. Criteria: Myriad Women's Health Autosomal Recessive and X-Linked Classification Criteria (2021). Collection method: clinical testing. Allele origin: unknown.
Comment: NM_000108.3(DLD):c.383delGinsTA(S128Ifs*19) is expected to be pathogenic in the context of dihydrolipoamide dehydrogenase deficiency. This variant is predicted to lead to an abnormal or absent protein product due to the creation of a premature termination codon in DLD, a gene where loss-of-function variants are known to be pathogenic. Please note: this variant was assessed in the context of healthy population screening.

NM_000108.5(DLD):c.383delinsTA (p.Ser128fs)

Gene: DLD (dihydrolipoamide dehydrogenase; plus strand). Cytogenetic location: 7q31.1.
Variant type: Indel.
Coding change: c.383delinsTA on transcript NM_000108.5 (MANE Select); coding-DNA position 383, G replaced by TA.
Protein change: p.Ser128fs; shifts the reading frame from serine 128.
Molecular consequence: frameshift variant.
Genome position (GRCh38, 1-based): chr7:107,905,003, G replaced by TA. VCF-style: chr7-107905003-G-TA. GRCh37 (hg19) VCF-style: chr7-107545448-G-TA.
Other names: c.86delinsTA, p.Ser29fs (NM_001289750.1); c.314delinsTA, p.Ser105fs (NM_001289751.1); c.383delinsTA, p.Ser128fs (NM_001289752.1); short protein forms S105fs, S128fs, S29fs.
Identifiers: ClinVar variation 1726524 (VCV001726524.2), dbSNP rs2535578384, ClinGen allele CA2580076178.